The following is an entry in ClinVar:

ClinVar aggregate classification (germline): Pathogenic (0 of 4 stars; one submission).

Conditions:
Fanconi anemia complementation group A (FANCA). Also called: Fanconi anemia, group A; FANCA-Related Fanconi Anemia. Identifiers: Orphanet 84, MedGen C3469521, MONDO:0009215, OMIM 227650.

Submission:

Leiden Open Variation Database
Classification: Pathogenic for Fanconi anemia complementation group A. Last evaluated: 2020-02-28. Review status: no assertion criteria provided. Collection method: curation. Allele origin: germline. Affected: yes.
Comment: Curator: Arleen D. Auerbach. Submitter to LOVD: Arleen D. Auerbach.

Literature cited by the submitters: PubMed 25168418.

NC_000016.10:g.89754008_89816657del

Gene: FANCA (FA complementation group A; minus strand). Cytogenetic location: 16q24.3.
Variant type: Deletion.
Identifiers: ClinVar variation 974177 (VCV000974177.1).